The following is an entry in ClinVar:

NM_001365536.1(SCN9A):c.2849T>C (p.Met950Thr)

Genes: SCN9A (sodium voltage-gated channel alpha subunit 9; minus strand), SCN1A-AS1 (SCN1A and SCN9A antisense RNA 1; plus strand). Cytogenetic location: 2q24.3.
Variant type: single nucleotide variant.
Coding change: c.2849T>C on transcript NM_001365536.1 (MANE Select); coding-DNA position 2849, T replaced by C.
Protein change: p.Met950Thr; replaces methionine 950 with threonine.
Molecular consequence: missense variant.
Genome position (GRCh38, 1-based): chr2:166,277,008, A>G on the plus strand (T>C on the coding strand, the complement: SCN9A is on the minus strand). VCF-style: chr2-166277008-A-G. GRCh37 (hg19) VCF-style: chr2-167133518-A-G.
Other names: c.2816T>C, p.Met939Thr (NM_002977.4); short protein forms M950T, M939T.
Identifiers: ClinVar variation 2186484 (VCV002186484.4), dbSNP rs1165318441, ClinGen allele CA349076914.
Genomic context (GRCh38, chr2:166,277,008, plus strand): 5'-GAGAAATTAAAATGCATGAACATCTGGTTACATACCACCAGGTTTCCAATGACCATGACC[A>G]TCATGTAAACAATAAGGCACATAGCTTGACCAGCGACCTCCATACAGTCCCACATGGTCT-3'
Protein context (NP_001352465.1, residues 940-960): GQAMCLIVYM[Met950Thr]VMVIGNLVVL

ClinVar aggregate classification (germline): Uncertain significance (1 of 4 stars; one submission).

Conditions:
Neuropathy, hereditary sensory and autonomic, type 2A (HSAN2A). Also called: WNK1-Related HSAN2 (HSAN2A); MORVAN DISEASE; NEUROPATHY, CONGENITAL SENSORY; NEUROPATHY, HEREDITARY SENSORY RADICULAR, AUTOSOMAL RECESSIVE; NEUROPATHY, HEREDITARY SENSORY, TYPE IIA; NEUROPATHY, PROGRESSIVE SENSORY, OF CHILDREN. Identifiers: Orphanet 970, MedGen C2752089, MONDO:0024309, OMIM 201300.
Generalized epilepsy with febrile seizures plus, type 7 (GEFSP7). Also called: GEFS+, TYPE 7. Identifiers: Orphanet 36387, MedGen C2751778, MONDO:0013470, OMIM 613863.

gnomAD v4.1: 3 of 1,613,808 alleles (0.00019%); highest among the groups gnomAD compares: East Asian, 0.0045%; no homozygotes.

Submission:

Labcorp Genetics (formerly Invitae), Labcorp
Classification: Uncertain significance for Neuropathy, hereditary sensory and autonomic, type 2A; Generalized epilepsy with febrile seizures plus, type 7. Last evaluated: 2023-01-17. Review status: criteria provided, single submitter. Criteria: Invitae Variant Classification Sherloc (09022015). Collection method: clinical testing. Allele origin: germline.
Comment: In summary, the available evidence is currently insufficient to determine the role of this variant in disease. Therefore, it has been classified as a Variant of Uncertain Significance. Advanced modeling of protein sequence and biophysical properties (such as structural, functional, and spatial information, amino acid conservation, physicochemical variation, residue mobility, and thermodynamic stability) performed at Invitae indicates that this missense variant is not expected to disrupt SCN9A protein function. This variant has not been reported in the literature in individuals affected with SCN9A-related conditions. This variant is not present in population databases (gnomAD no frequency). This sequence change replaces methionine, which is neutral and non-polar, with threonine, which is neutral and polar, at codon 939 of the SCN9A protein (p.Met939Thr).